The following is an entry in ClinVar:

NM_000238.4(KCNH2):c.2897_2898delinsCC (p.Glu966Ala)

Gene: KCNH2 (potassium voltage-gated channel subfamily H member 2; minus strand). Cytogenetic location: 7q36.1.
Variant type: Indel.
Coding change: c.2897_2898delinsCC on transcript NM_000238.4 (MANE Select); coding-DNA positions 2897 to 2898, AG replaced by CC.
Protein change: p.Glu966Ala; replaces glutamic acid 966 with alanine.
Molecular consequence: missense variant.
Genome position (GRCh38, 1-based): chr7:150,947,673-150,947,674, CT replaced by GG on the plus strand (AG replaced by CC on the coding strand, the reverse complement: KCNH2 is on the minus strand). VCF-style: chr7-150947673-CT-GG. GRCh37 (hg19) VCF-style: chr7-150644761-CT-GG.
Other names: c.1877_1878delinsCC, p.Glu626Ala (NM_172057.3); short protein forms E966A, E626A.
Identifiers: ClinVar variation 1524480 (VCV001524480.6), dbSNP rs2116932211, ClinGen allele CA2573141851.

ClinVar aggregate classification (germline): Uncertain significance (1 of 4 stars; one submission).

Conditions:
Long QT syndrome (LQTS). Identifiers: MedGen C0023976, MeSH D008133, MONDO:0002442. Disease mechanism: loss of function. Inheritance: Various modes of inheritance.

Submission:

Labcorp Genetics (formerly Invitae), Labcorp
Classification: Uncertain significance for Long QT syndrome. Last evaluated: 2021-04-09. Review status: criteria provided, single submitter. Criteria: Invitae Variant Classification Sherloc (09022015). Collection method: clinical testing. Allele origin: germline.
Comment: This sequence change replaces glutamic acid with alanine at codon 966 of the KCNH2 protein (p.Glu966Ala). The glutamic acid residue is moderately conserved and there is a moderate physicochemical difference between glutamic acid and alanine. The frequency data for this variant in the population databases is not available, as this variant may be reported as separate entries in the ExAC database. This variant has not been reported in the literature in individuals with KCNH2-related conditions. Algorithms developed to predict the effect of missense changes on protein structure and function are either unavailable or do not agree on the potential impact of this missense change (SIFT: "Not Available"; PolyPhen-2: "Benign"; Align-GVGD: "Not Available"). In summary, the available evidence is currently insufficient to determine the role of this variant in disease. Therefore, it has been classified as a Variant of Uncertain Significance.